The following is an entry in ClinVar:

NM_003835.4(RGS9):c.1146C>A (p.His382Gln)

Gene: RGS9 (regulator of G protein signaling 9; plus strand). Cytogenetic location: 17q24.1.
Variant type: single nucleotide variant.
Coding change: c.1146C>A on transcript NM_003835.4 (MANE Select); coding-DNA position 1146, C replaced by A.
Protein change: p.His382Gln; replaces histidine 382 with glutamine.
Molecular consequence: missense variant.
Genome position (GRCh38, 1-based): chr17:65,204,244, C>A. VCF-style: chr17-65204244-C-A. GRCh37 (hg19) VCF-style: chr17-63200362-C-A.
Other names: c.1137C>A, p.His379Gln (NM_001081955.3, NM_001165933.2); short protein forms H379Q, H382Q.
Identifiers: ClinVar variation 1005137 (VCV001005137.6), dbSNP rs750120097, ClinGen allele CA8717938.

ClinVar aggregate classification (germline): Uncertain significance (1 of 4 stars; one submission).

Allele frequency attached by ClinVar (database versions not stated): ExAC 0.00003; gnomAD 0.00006 and 0.00007; gnomAD exomes 0.00006; TOPMed 0.00007.
gnomAD v4.1: 60 of 1,613,412 alleles (0.0037%); highest among the groups gnomAD compares: Admixed American, 0.04%; no homozygotes.

Submission:

Labcorp Genetics (formerly Invitae), Labcorp
Classification: Uncertain significance. Last evaluated: 2022-10-13. Review status: criteria provided, single submitter. Criteria: Invitae Variant Classification Sherloc (09022015). Collection method: clinical testing. Allele origin: germline.
Comment: This sequence change replaces histidine, which is basic and polar, with glutamine, which is neutral and polar, at codon 382 of the RGS9 protein (p.His382Gln). This variant is present in population databases (rs750120097, gnomAD 0.04%). This variant has not been reported in the literature in individuals affected with RGS9-related conditions. ClinVar contains an entry for this variant (Variation ID: 1005137). Advanced modeling of protein sequence and biophysical properties (such as structural, functional, and spatial information, amino acid conservation, physicochemical variation, residue mobility, and thermodynamic stability) performed at Invitae indicates that this missense variant is not expected to disrupt RGS9 protein function. In summary, the available evidence is currently insufficient to determine the role of this variant in disease. Therefore, it has been classified as a Variant of Uncertain Significance.